The following is an entry in ClinVar:

NM_052867.4(NALCN):c.4191C>G (p.Asp1397Glu)

Gene: NALCN (sodium leak channel, non-selective; minus strand). Cytogenetic location: 13q32.3.
Variant type: single nucleotide variant.
Coding change: c.4191C>G on transcript NM_052867.4 (MANE Select); coding-DNA position 4191, C replaced by G.
Protein change: p.Asp1397Glu; replaces aspartic acid 1397 with glutamic acid.
Molecular consequence: missense variant.
Genome position (GRCh38, 1-based): chr13:101,073,590, G>C on the plus strand (C>G on the coding strand, the complement: NALCN is on the minus strand). VCF-style: chr13-101073590-G-C. GRCh37 (hg19) VCF-style: chr13-101725942-G-C.
Other names: c.4278C>G, p.Asp1426Glu (NM_001350748.2); c.4191C>G, p.Asp1397Glu (NM_001350749.2); c.4104C>G, p.Asp1368Glu (NM_001350750.2, NM_001350751.2); short protein forms D1368E, D1397E, D1426E.
Identifiers: ClinVar variation 2499838 (VCV002499838.1), dbSNP rs190420929, ClinGen allele CA388649042.

ClinVar aggregate classification (germline): Uncertain significance (1 of 4 stars; one submission).

Submission:

GeneDx
Classification: Uncertain significance. Last evaluated: 2023-04-25. Review status: criteria provided, single submitter. Criteria: GeneDx Variant Classification Process June 2021. Collection method: clinical testing. Allele origin: germline. Affected: yes.
Comment: Not observed at significant frequency in large population cohorts (gnomAD); In silico analysis supports that this missense variant has a deleterious effect on protein structure/function; Has not been previously published as pathogenic or benign to our knowledge